The following is an entry in ClinVar:

NM_000059.4(BRCA2):c.3096_3098del (p.Lys1032_Asp1033delinsAsn)

Gene: BRCA2 (BRCA2 DNA repair associated; plus strand). Cytogenetic location: 13q13.1.
Variant type: Deletion.
Coding change: c.3096_3098del on transcript NM_000059.4 (MANE Select); coding-DNA positions 3096 to 3098, 3 bases deleted (AGA; older notation c.3096_3098delAGA).
Protein change: p.Lys1032_Asp1033delinsAsn.
Molecular consequence: inframe indel. On other transcripts: non-coding transcript variant (1), intron variant (2).
Genome position (GRCh38, 1-based): chr13:32,337,451-32,337,453, AGA deleted; deleting any 3 consecutive bases within chr13:32,337,450-32,337,453 gives the same sequence; the c. name uses the placement nearest the transcript's 3' end. VCF-style (leftmost placement, unchanged base first): chr13-32337449-AAAG-A. GRCh37 (hg19) VCF-style: chr13-32911586-AAAG-A.
Other names: c.3096_3098delAGA (NM_000059.4); c.3096_3098del, p.Lys1032_Asp1033delinsAsn (NM_001406719.1, NM_001406720.1); c.1909+4064_1909+4066del (NM_001406721.1); c.424+6421_424+6423del (NM_001406722.1).
Identifiers: ClinVar variation 3068901 (VCV003068901.3), dbSNP rs2548525224, ClinGen allele CA2825002119.

ClinVar aggregate classification (germline): Uncertain significance. Review status: criteria provided, multiple submitters, no conflicts (2 of 4 stars). 2 submissions from 2 submitters: Uncertain significance (2). Last evaluated 2025-06-04.

Conditions:
Hereditary cancer-predisposing syndrome. Also called: Neoplastic Syndromes, Hereditary; Hereditary neoplastic syndrome; Tumor predisposition; Hereditary Cancer Syndrome. Identifiers: Orphanet 140162, MedGen C0027672, MeSH D009386, MONDO:0015356.

Submissions (2):

Color Diagnostics, LLC DBA Color Health
Classification: Uncertain significance for Hereditary cancer-predisposing syndrome. Last evaluated: 2025-06-04. Review status: criteria provided, single submitter. Criteria: ACMG Guidelines, 2015. Collection method: clinical testing. Allele origin: germline.
Comment: This variant results in the replacement of two amino acids at codon 1032 and 1033 in the BRCA2 protein with a novel amino acid (p.Lys1032_Asp1033delinsAsn). To our knowledge, functional studies have not been reported for this variant. This variant has not been reported in individuals affected with BRCA2-related disorders in the literature. This variant has not been identified in the general population by the Genome Aggregation Database (gnomAD). The available evidence is insufficient to determine the role of this variant in disease conclusively. Therefore, this variant is classified as a Variant of Uncertain Significance.

Women's Health and Genetics/Laboratory Corporation of America, LabCorp
Classification: Uncertain significance. Last evaluated: 2024-02-12. Review status: criteria provided, single submitter. Criteria: LabCorp Variant Classification Summary - May 2015. Collection method: clinical testing. Allele origin: germline.
Comment: Variant summary: BRCA2 c.3096_3098delAGA (p.Lys1032_Asp1033delinsAsn) results in an in-frame deletion that is predicted to delete 1 amino acid from the protein and also cause a change in 1 amino acid. The variant was absent in 249650 control chromosomes (gnomAD). The available data on variant occurrences in the general population are insufficient to allow any conclusion about variant significance. To our knowledge, no occurrence of c.3096_3098delAGA in individuals affected with Hereditary Breast And Ovarian Cancer Syndrome and no experimental evidence demonstrating its impact on protein function have been reported. No submitters have cited clinical-significance assessments for this variant to ClinVar. Based on the evidence outlined above, the variant was classified as uncertain significance.